The following is an entry in ClinVar:

NM_000038.6(APC):c.8368C>T (p.Pro2790Ser)

Gene: APC (APC regulator of Wnt signaling pathway; plus strand). Cytogenetic location: 5q22.2.
Variant type: single nucleotide variant.
Coding change: c.8368C>T on transcript NM_000038.6 (MANE Select); coding-DNA position 8368, C replaced by T.
Protein change: p.Pro2790Ser; replaces proline 2790 with serine.
Molecular consequence: missense variant.
Genome position (GRCh38, 1-based): chr5:112,843,962, C>T. VCF-style: chr5-112843962-C-T. GRCh37 (hg19) VCF-style: chr5-112179659-C-T.
Other names: c.8368C>T, p.Pro2790Ser (NM_001127510.3, NM_001354895.2); c.8314C>T, p.Pro2772Ser (NM_001127511.3); c.8422C>T, p.Pro2808Ser (NM_001354896.2); c.8398C>T, p.Pro2800Ser (NM_001354897.2); c.8293C>T, p.Pro2765Ser (NM_001354898.2); c.8284C>T, p.Pro2762Ser (NM_001354899.2); c.8245C>T, p.Pro2749Ser (NM_001354900.2); c.8191C>T, p.Pro2731Ser (NM_001354901.2); and 5 more; short protein forms P2507S, P2630S, P2749S, P2765S, P2772S, P2800S, P2689S, P2664S.
Identifiers: ClinVar variation 656276 (VCV000656276.12), dbSNP rs1580692838, ClinGen allele CA16039493.

ClinVar aggregate classification (germline): Uncertain significance. Review status: criteria provided, multiple submitters, no conflicts (2 of 4 stars). 2 submissions from 2 submitters: Uncertain significance (2). Last evaluated 2023-11-09.

Conditions:
Hereditary cancer-predisposing syndrome. Also called: Hereditary neoplastic syndrome; Tumor predisposition; Neoplastic Syndromes, Hereditary; Hereditary Cancer Syndrome. Identifiers: Orphanet 140162, MedGen C0027672, MeSH D009386, MONDO:0015356.
Familial adenomatous polyposis 1 (FAP1). Also called: FAMILIAL ADENOMATOUS POLYPOSIS 1, ATTENUATED; POLYPOSIS, ADENOMATOUS INTESTINAL. Identifiers: MedGen C2713442, MONDO:0021056, OMIM 175100. Disease mechanism: loss of function.

Allele frequency attached by ClinVar (database versions not stated): gnomAD exomes below 0.00001.
gnomAD v4.1: 1 of 1,606,166 alleles (0.000062%); highest among the groups gnomAD compares: Non-Finnish European, 0.000085%; no homozygotes.

Submissions (2):

Ambry Genetics
Classification: Uncertain significance for Hereditary cancer-predisposing syndrome. Last evaluated: 2023-11-09. Review status: criteria provided, single submitter. Criteria: Ambry Variant Classification Scheme 2023. Collection method: clinical testing. Allele origin: germline.
Comment: The p.P2790S variant (also known as c.8368C>T), located in coding exon 15 of the APC gene, results from a C to T substitution at nucleotide position 8368. The proline at codon 2790 is replaced by serine, an amino acid with similar properties. This amino acid position is well conserved in available vertebrate species. In addition, in silico predictors for this gene do not accurately predict pathogenicity. Since supporting evidence is limited at this time, the clinical significance of this alteration remains unclear.

Labcorp Genetics (formerly Invitae), Labcorp
Classification: Uncertain significance for Familial adenomatous polyposis 1. Last evaluated: 2023-04-13. Review status: criteria provided, single submitter. Criteria: Invitae Variant Classification Sherloc (09022015). Collection method: clinical testing. Allele origin: germline.
Comment: ClinVar contains an entry for this variant (Variation ID: 656276). In summary, the available evidence is currently insufficient to determine the role of this variant in disease. Therefore, it has been classified as a Variant of Uncertain Significance. Advanced modeling of protein sequence and biophysical properties (such as structural, functional, and spatial information, amino acid conservation, physicochemical variation, residue mobility, and thermodynamic stability) performed at Invitae indicates that this missense variant is not expected to disrupt APC protein function. This variant has not been reported in the literature in individuals affected with APC-related conditions. This variant is not present in population databases (gnomAD no frequency). This sequence change replaces proline, which is neutral and non-polar, with serine, which is neutral and polar, at codon 2790 of the APC protein (p.Pro2790Ser).